The following is an entry in ClinVar:

ClinVar aggregate classification (germline): Uncertain significance (1 of 4 stars; one submission).

Submission:

GeneDx
Classification: Uncertain significance. Last evaluated: 2023-01-27. Review status: criteria provided, single submitter. Criteria: GeneDx Variant Classification Process June 2021. Collection method: clinical testing. Allele origin: germline. Affected: yes.
Comment: Not observed at significant frequency in large population cohorts (gnomAD); In silico analysis supports that this missense variant does not alter protein structure/function; Has not been previously published as pathogenic or benign to our knowledge

NM_016312.3(WBP11):c.972G>A (p.Met324Ile)

Gene: WBP11 (WW domain binding protein 11; minus strand). Cytogenetic location: 12p12.3.
Variant type: single nucleotide variant.
Coding change: c.972G>A on transcript NM_016312.3 (MANE Select); coding-DNA position 972, G replaced by A.
Protein change: p.Met324Ile; replaces methionine 324 with isoleucine.
Molecular consequence: missense variant.
Genome position (GRCh38, 1-based): chr12:14,791,212, C>T on the plus strand (G>A on the coding strand, the complement: WBP11 is on the minus strand). VCF-style: chr12-14791212-C-T. GRCh37 (hg19) VCF-style: chr12-14944146-C-T.
Other names: short protein forms M324I.
Identifiers: ClinVar variation 2574509 (VCV002574509.1), dbSNP rs967263914, ClinGen allele CA233278133.